The following is an entry in ClinVar:

NM_005908.4(MANBA):c.1096C>T (p.Arg366Ter)

Gene: MANBA (mannosidase beta; minus strand). Cytogenetic location: 4q24.
Variant type: single nucleotide variant.
Coding change: c.1096C>T on transcript NM_005908.4 (MANE Select); coding-DNA position 1096, C replaced by T.
Protein change: p.Arg366Ter; replaces arginine 366 with a stop codon.
Molecular consequence: nonsense.
Genome position (GRCh38, 1-based): chr4:102,673,935, G>A on the plus strand (C>T on the coding strand, the complement: MANBA is on the minus strand). VCF-style: chr4-102673935-G-A. GRCh37 (hg19) VCF-style: chr4-103595092-G-A.
Other names: short protein forms R366*.
Identifiers: ClinVar variation 2727927 (VCV002727927.4), dbSNP rs781133275, ClinGen allele CA3027025.

ClinVar aggregate classification (germline): Pathogenic (1 of 4 stars; one submission).

Conditions:
Beta-D-mannosidosis (MANSB). Also called: MANNOSIDOSIS, BETA A, LYSOSOMAL; BETA-MANNOSIDASE DEFICIENCY; LYSOSOMAL BETA-MANNOSIDASE DEFICIENCY; Beta-Mannosidosis. Identifiers: Orphanet 118, MedGen C4048196, MONDO:0009562, OMIM 248510.

Allele frequency attached by ClinVar (database versions not stated): TOPMed below 0.00001; ExAC 0.00001; gnomAD 0.00002.
gnomAD v4.1: 15 of 1,610,780 alleles (0.00093%); highest among the groups gnomAD compares: African/African-American, 0.0013%; no homozygotes.

Submission:

Labcorp Genetics (formerly Invitae), Labcorp
Classification: Pathogenic for Beta-D-mannosidosis. Last evaluated: 2026-01-20. Review status: criteria provided, single submitter. Criteria: Invitae Variant Classification Sherloc (09022015). Collection method: clinical testing. Allele origin: germline.
Comment: This sequence change creates a premature translational stop signal (p.Arg366*) in the MANBA gene. It is expected to result in an absent or disrupted protein product. Loss-of-function variants in MANBA are known to be pathogenic (PMID: 9384606, 12468273). This variant is present in population databases (rs781133275, gnomAD 0.004%). This variant has not been reported in the literature in individuals affected with MANBA-related conditions. ClinVar contains an entry for this variant (Variation ID: 2727927). For these reasons, this variant has been classified as Pathogenic.

Literature cited by the submitters: PubMed 9384606; PubMed 12468273.